The following is an entry in ClinVar:

ClinVar aggregate classification (germline): Uncertain significance. Review status: criteria provided, multiple submitters, no conflicts (2 of 4 stars). 2 submissions from 2 submitters: Uncertain significance (2). Last evaluated 2025-03-31.

Conditions:
Inborn genetic diseases. Identifiers: MedGen C0950123, MeSH D030342.

Allele frequency attached by ClinVar (database versions not stated): TOPMed 0.00002.
gnomAD v4.1: 12 of 1,612,836 alleles (0.00074%); highest among the groups gnomAD compares: South Asian, 0.0011%; no homozygotes.

Submissions (2):

Labcorp Genetics (formerly Invitae), Labcorp
Classification: Uncertain significance. Last evaluated: 2025-03-31. Review status: criteria provided, single submitter. Criteria: Invitae Variant Classification Sherloc (09022015). Collection method: clinical testing. Allele origin: germline.
Comment: This sequence change replaces arginine, which is basic and polar, with tryptophan, which is neutral and slightly polar, at codon 268 of the CREB3L1 protein (p.Arg268Trp). This variant is not present in population databases (gnomAD no frequency). This variant has not been reported in the literature in individuals affected with CREB3L1-related conditions. ClinVar contains an entry for this variant (Variation ID: 2962360). An algorithm developed to predict the effect of missense changes on protein structure and function (PolyPhen-2) suggests that this variant is likely to be disruptive. In summary, the available evidence is currently insufficient to determine the role of this variant in disease. Therefore, it has been classified as a Variant of Uncertain Significance.

Ambry Genetics
Classification: Uncertain significance for Inborn genetic diseases. Last evaluated: 2024-08-19. Review status: criteria provided, single submitter. Criteria: Ambry Variant Classification Scheme 2023. Collection method: clinical testing. Allele origin: germline.

NM_052854.4(CREB3L1):c.802C>T (p.Arg268Trp)

Gene: CREB3L1 (cAMP responsive element binding protein 3 like 1; plus strand). Cytogenetic location: 11p11.2.
Variant type: single nucleotide variant.
Coding change: c.802C>T on transcript NM_052854.4 (MANE Select); coding-DNA position 802, C replaced by T.
Protein change: p.Arg268Trp; replaces arginine 268 with tryptophan.
Molecular consequence: missense variant.
Genome position (GRCh38, 1-based): chr11:46,312,373, C>T. VCF-style: chr11-46312373-C-T. GRCh37 (hg19) VCF-style: chr11-46333924-C-T.
Other names: c.802C>T (NM_052854.2); c.802C>T, p.Arg268Trp (NM_001425266.1); c.796C>T, p.Arg266Trp (NM_001425267.1); c.664C>T, p.Arg222Trp (NM_001425268.1); c.538C>T, p.Arg180Trp (NM_001425269.1); short protein forms R266W, R180W, R222W, R268W.
Identifiers: ClinVar variation 2962360 (VCV002962360.4), dbSNP rs1378914897, ClinGen allele CA380221560.